The following is an entry in ClinVar:

NM_000138.5(FBN1):c.6872-13T>C

Gene: FBN1 (fibrillin 1; minus strand). Cytogenetic location: 15q21.1.
Variant type: single nucleotide variant.
Coding change: c.6872-13T>C on transcript NM_000138.5 (MANE Select); 13 bases into the intron before coding-DNA position 6872, T replaced by C.
Molecular consequence: intron variant.
Genome position (GRCh38, 1-based): chr15:48,428,484, A>G on the plus strand (T>C on the coding strand, the complement: FBN1 is on the minus strand). VCF-style: chr15-48428484-A-G. GRCh37 (hg19) VCF-style: chr15-48720681-A-G.
Other names: c.6872-13T>C (NM_001406716.1).
Identifiers: ClinVar variation 3074670 (VCV003074670.1), dbSNP rs2505415544, ClinGen allele CA2825002272.

ClinVar aggregate classification (germline): Likely benign (1 of 4 stars; one submission).

Conditions:
Marfan syndrome (MFS). Also called: MARFAN SYNDROME, TYPE I; Marfan syndrome type 1; Marfan's syndrome; Marfan syndrome, classic; FBN1-Related Marfan Syndrome. Identifiers: Orphanet 284963, Orphanet 558, MedGen C0024796, MONDO:0007947, OMIM 154700.

Submission:

All of Us Research Program, National Institutes of Health
Classification: Likely benign for Marfan syndrome. Last evaluated: 2023-11-20. Review status: criteria provided, single submitter. Criteria: ACMG Guidelines, 2015. Collection method: clinical testing. Allele origin: germline. Inheritance: Autosomal dominant inheritance. Observed: 1 variant allele, 1 heterozygote.
Comment: This study involves interpretation of variants in research participants for the purpose of population health screening. Participant phenotype was not available at the time of variant classification. Additional details can be found in publication PMID: 35346344, PMCID: PMC8962531